The following is an entry in ClinVar:

ClinVar aggregate classification (germline): Uncertain significance. Review status: criteria provided, multiple submitters, no conflicts (2 of 4 stars). 3 submissions from 3 submitters: Uncertain significance (3). Last evaluated 2025-06-29.

Conditions:
Inborn genetic diseases. Identifiers: MedGen C0950123, MeSH D030342.

Allele frequency attached by ClinVar (database versions not stated): ExAC 0.00003; gnomAD exomes 0.00006 and 0.00007; TOPMed 0.00007; gnomAD 0.00008 and 0.00009; ESP Exome Variant Server 0.00016.
gnomAD v4.1: 113 of 1,613,952 alleles (0.007%); highest among the groups gnomAD compares: Non-Finnish European, 0.0088%; no homozygotes.

Submissions (3):

Ambry Genetics
Classification: Uncertain significance for Inborn genetic diseases. Last evaluated: 2025-06-29. Review status: criteria provided, single submitter. Criteria: Ambry Variant Classification Scheme 2023. Collection method: clinical testing. Allele origin: germline.

Labcorp Genetics (formerly Invitae), Labcorp
Classification: Uncertain significance. Last evaluated: 2025-03-17. Review status: criteria provided, single submitter. Criteria: Invitae Variant Classification Sherloc (09022015). Collection method: clinical testing. Allele origin: germline.
Comment: This sequence change replaces arginine, which is basic and polar, with glutamine, which is neutral and polar, at codon 450 of the TRPM1 protein (p.Arg450Gln). This variant is present in population databases (rs368895303, gnomAD 0.01%). This variant has not been reported in the literature in individuals affected with TRPM1-related conditions. ClinVar contains an entry for this variant (Variation ID: 854800). Invitae Evidence Modeling of protein sequence and biophysical properties (such as structural, functional, and spatial information, amino acid conservation, physicochemical variation, residue mobility, and thermodynamic stability) indicates that this missense variant is not expected to disrupt TRPM1 protein function with a negative predictive value of 95%. In summary, the available evidence is currently insufficient to determine the role of this variant in disease. Therefore, it has been classified as a Variant of Uncertain Significance.

Blueprint Genetics
Classification: Uncertain significance. Last evaluated: 2022-11-15. Review status: criteria provided, single submitter. Criteria: ACMG Guidelines, 2015. Collection method: clinical testing. Allele origin: germline.

NM_001252024.2(TRPM1):c.1415G>A (p.Arg472Gln)

Gene: TRPM1 (transient receptor potential cation channel subfamily M member 1; minus strand). Cytogenetic location: 15q13.3.
Variant type: single nucleotide variant.
Coding change: c.1415G>A on transcript NM_001252024.2 (MANE Select); coding-DNA position 1415, G replaced by A.
Protein change: p.Arg472Gln; replaces arginine 472 with glutamine.
Molecular consequence: missense variant.
Genome position (GRCh38, 1-based): chr15:31,050,431, C>T on the plus strand (G>A on the coding strand, the complement: TRPM1 is on the minus strand). VCF-style: chr15-31050431-C-T. GRCh37 (hg19) VCF-style: chr15-31342634-C-T.
Other names: c.1466G>A, p.Arg489Gln (NM_001252020.2); c.1349G>A, p.Arg450Gln (NM_002420.6); c.1349G>A (NM_002420.4); short protein forms R472Q, R489Q, R450Q.
Identifiers: ClinVar variation 854800 (VCV000854800.9), dbSNP rs368895303, ClinGen allele CA7452581.